The following is an entry in ClinVar:

NM_001429.4(EP300):c.5346C>T (p.Cys1782=)

Gene: EP300 (EP300 lysine acetyltransferase; plus strand). Cytogenetic location: 22q13.2.
Variant type: single nucleotide variant.
Coding change: c.5346C>T on transcript NM_001429.4 (MANE Select); coding-DNA position 5346, C replaced by T.
Protein change: p.Cys1782=; no amino-acid change (cysteine 1782 retained).
Molecular consequence: synonymous variant.
Genome position (GRCh38, 1-based): chr22:41,177,057, C>T. VCF-style: chr22-41177057-C-T. GRCh37 (hg19) VCF-style: chr22-41573061-C-T.
Other names: c.5268C>T, p.Cys1756= (NM_001362843.2).
Identifiers: ClinVar variation 724442 (VCV000724442.6), dbSNP rs747513510, ClinGen allele CA10253624.

ClinVar aggregate classification (germline): Benign. Review status: criteria provided, single submitter (1 of 4 stars). 2 submissions from 2 submitters: Benign (1). 1 of the submissions does not count toward it. Last evaluated 2025-07-22.

Conditions:
Rubinstein-Taybi syndrome due to EP300 haploinsufficiency. Also called: RUBINSTEIN-TAYBI SYNDROME 2; EP300-Related Rubinstein-Taybi Syndrome. Identifiers: Orphanet 353284, Orphanet 783, MedGen C3150941, MONDO:0013364, OMIM 613684.
EP300-related disorder. Also called: EP300-related disorders; EP300-related condition.

Allele frequency attached by ClinVar (database versions not stated): gnomAD exomes 0.00003 and 0.00004; TOPMed 0.00005; ExAC 0.00007; gnomAD 0.00007 and 0.00008.
gnomAD v4.1: 48 of 1,614,046 alleles (0.003%); highest among the groups gnomAD compares: Middle Eastern, 0.033%; no homozygotes.

Submissions (2):

Labcorp Genetics (formerly Invitae), Labcorp
Classification: Benign for Rubinstein-Taybi syndrome due to EP300 haploinsufficiency. Last evaluated: 2025-07-22. Review status: criteria provided, single submitter. Criteria: Invitae Variant Classification Sherloc (09022015). Collection method: clinical testing. Allele origin: germline.

PreventionGenetics, part of Exact Sciences
Classification: Likely benign for EP300-related condition. Last evaluated: 2024-08-05. Review status: no assertion criteria provided. Collection method: clinical testing. Allele origin: germline. Not counted in ClinVar's aggregate classification.
Comment: This variant is classified as likely benign based on ACMG/AMP sequence variant interpretation guidelines (Richards et al. 2015 PMID: 25741868, with internal and published modifications).